The following is an entry in ClinVar:

ClinVar aggregate classification (germline): Pathogenic (1 of 4 stars; one submission).

Conditions:
Combined immunodeficiency due to LRBA deficiency. Also called: Common variable immunodeficiency 8, with autoimmunity. Identifiers: Orphanet 445018, MedGen C3553512, MONDO:0013863, OMIM 614700.

Submission:

Labcorp Genetics (formerly Invitae), Labcorp
Classification: Pathogenic for Combined immunodeficiency due to LRBA deficiency. Last evaluated: 2023-08-10. Review status: criteria provided, single submitter. Criteria: Invitae Variant Classification Sherloc (09022015). Collection method: clinical testing. Allele origin: germline.
Comment: For these reasons, this variant has been classified as Pathogenic. This variant has not been reported in the literature in individuals affected with LRBA-related conditions. This variant is not present in population databases (gnomAD no frequency). This sequence change creates a premature translational stop signal (p.Val1752Phefs*4) in the LRBA gene. It is expected to result in an absent or disrupted protein product. Loss-of-function variants in LRBA are known to be pathogenic (PMID: 26206937, 26768763).

Literature cited by the submitters: PubMed 26206937; PubMed 26768763.

NM_001364905.1(LRBA):c.5254del (p.Val1752fs)

Gene: LRBA (LPS responsive beige-like anchor protein; minus strand). Cytogenetic location: 4q31.3.
Variant type: Deletion.
Coding change: c.5254del on transcript NM_001364905.1 (MANE Select); coding-DNA position 5254, one base deleted (G; older notation c.5254delG).
Protein change: p.Val1752fs; shifts the reading frame from valine 1752.
Molecular consequence: frameshift variant.
Genome position (GRCh38, 1-based): chr4:150,817,175, C deleted on the plus strand (G on the coding strand, the reverse complement: LRBA is on the minus strand); the first of 2 consecutive C bases (chr4:150,817,175-150,817,176); deleting either gives the same sequence. VCF-style (leftmost placement, unchanged base first): chr4-150817174-AC-A. GRCh37 (hg19) VCF-style: chr4-151738326-AC-A.
Other names: c.5253delG, p.Val1752Phefs (NM_001199282.3, NM_006726.5); c.5254del, p.Val1752fs (NM_001367550.1); short protein forms V1752fs.
Identifiers: ClinVar variation 2750178 (VCV002750178.3), dbSNP rs2547502759, ClinGen allele CA2697546954.
Genomic context (GRCh38, chr4:150,817,174, plus strand): 5'-ACTAACTCACCTGGTGATTCTCCTCCCATATCTGAGGCTTGGGCTGAATCTACTGAGGAA[AC>A]CACACTGACAGCATTGGTAGGTATGCTTGTATTAAAGGTGGAAGGTGAGACTGCTGACTT-3'